The following is an entry in ClinVar:

ClinVar aggregate classification (germline): Uncertain significance. Review status: criteria provided, multiple submitters, no conflicts (2 of 4 stars). 3 submissions from 3 submitters: Uncertain significance (3). Last evaluated 2026-04-14.

Conditions:
Catecholaminergic polymorphic ventricular tachycardia (CVPT). Also called: Catecholamine-induced polymorphic ventricular tachycardia. Identifiers: Orphanet 3286, MedGen C5574922, MONDO:0017990.
Cardiovascular phenotype. Identifiers: MedGen CN230736.

Submissions (3):

GeneDx
Classification: Uncertain significance. Last evaluated: 2026-04-14. Review status: criteria provided, single submitter. Criteria: GeneDx Variant Classification Process June 2021. Collection method: clinical testing. Allele origin: germline.
Comment: Not observed at significant frequency in large population cohorts (gnomAD); In silico analysis supports that this missense variant has a deleterious effect on protein structure/function; Has not been previously published as pathogenic or benign to our knowledge; Located in one of the three hot-spot regions of the RYR2 gene, where the majority of pathogenic missense variants occur (PMID: 19926015); This variant is associated with the following publications: (PMID: 19926015)

Ambry Genetics
Classification: Uncertain significance for Cardiovascular phenotype. Last evaluated: 2025-12-15. Review status: criteria provided, single submitter. Criteria: Ambry Variant Classification Scheme 2023. Collection method: clinical testing. Allele origin: germline.

All of Us Research Program, National Institutes of Health
Classification: Uncertain significance for Catecholaminergic polymorphic ventricular tachycardia. Last evaluated: 2023-12-01. Review status: criteria provided, single submitter. Criteria: ACMG Guidelines, 2015. Collection method: clinical testing. Allele origin: germline. Inheritance: Autosomal dominant inheritance. Observed: 2 variant alleles, 2 heterozygotes.
Comment: This missense variant replaces methionine with threonine at codon 128 of the RYR2 protein. Computational prediction suggests that this variant may have deleterious impact on protein structure and function (internally defined REVEL score threshold >= 0.7, PMID: 27666373). To our knowledge, functional studies have not been reported for this variant. This variant has not been reported in individuals affected with RYR2-related disorders in the literature. This variant has not been identified in the general population by the Genome Aggregation Database (gnomAD). The available evidence is insufficient to determine the role of this variant in disease conclusively. Therefore, this variant is classified as a Variant of Uncertain Significance.

This study involves interpretation of variants in research participants for the purpose of population health screening. Participant phenotype was not available at the time of variant classification. Additional details can be found in publication PMID: 35346344, PMCID: PMC8962531

NM_001035.3(RYR2):c.383T>C (p.Met128Thr)

Gene: RYR2 (ryanodine receptor 2; plus strand). Cytogenetic location: 1q43.
Variant type: single nucleotide variant.
Coding change: c.383T>C on transcript NM_001035.3 (MANE Select); coding-DNA position 383, T replaced by C.
Protein change: p.Met128Thr; replaces methionine 128 with threonine.
Molecular consequence: missense variant.
Genome position (GRCh38, 1-based): chr1:237,369,607, T>C. VCF-style: chr1-237369607-T-C. GRCh37 (hg19) VCF-style: chr1-237532907-T-C.
Other names: c.383T>C, p.Met128Thr (LRG_402t1); short protein forms M128T.
Identifiers: ClinVar variation 263677 (VCV000263677.8), dbSNP rs886038887, ClinGen allele CA10587430.